The following is an entry in ClinVar:

NM_000536.4(RAG2):c.1357T>G (p.Trp453Gly)

Gene: RAG2 (recombination activating 2; minus strand). Cytogenetic location: 11p12.
Variant type: single nucleotide variant.
Coding change: c.1357T>G on transcript NM_000536.4 (MANE Select); coding-DNA position 1357, T replaced by G.
Protein change: p.Trp453Gly; replaces tryptophan 453 with glycine.
Molecular consequence: missense variant.
Genome position (GRCh38, 1-based): chr11:36,592,812, A>C on the plus strand (T>G on the coding strand, the complement: RAG2 is on the minus strand). VCF-style: chr11-36592812-A-C. GRCh37 (hg19) VCF-style: chr11-36614362-A-C.
Other names: c.1357T>G, p.Trp453Gly (NM_001243785.2, NM_001243786.2); short protein forms W453G.
Identifiers: ClinVar variation 4789405 (VCV004789405.1).

ClinVar aggregate classification (germline): Likely pathogenic (1 of 4 stars; one submission).

Conditions:
Severe combined immunodeficiency, autosomal recessive, T cell-negative, B cell-negative, NK cell-positive. Also called: SCID, T CELL-NEGATIVE, B CELL-NEGATIVE, NK CELL-POSITIVE; SCID, AR, T-cell negative, B-cell negative, NK cell-positive; Severe combined immunodeficiency due to complete RAG1/2 deficiency. Identifiers: Orphanet 331206, MedGen C1832322, MONDO:0011086, OMIM 601457.
Combined immunodeficiency with skin granulomas. Identifiers: Orphanet 157949, MedGen C2673536, MONDO:0009306, OMIM 233650.

Submission:

Labcorp Genetics (formerly Invitae), Labcorp
Classification: Likely pathogenic for Combined immunodeficiency with skin granulomas; Severe combined immunodeficiency, autosomal recessive, T cell-negative, B cell-negative, NK cell-positive. Last evaluated: 2025-07-29. Review status: criteria provided, single submitter. Criteria: Invitae Variant Classification Sherloc (09022015). Collection method: clinical testing. Allele origin: germline.
Comment: This sequence change replaces tryptophan, which is neutral and slightly polar, with glycine, which is neutral and non-polar, at codon 453 of the RAG2 protein (p.Trp453Gly). This variant is not present in population databases (gnomAD no frequency). This variant has not been reported in the literature in individuals affected with RAG2-related conditions. Invitae Evidence Modeling of protein sequence and biophysical properties (such as structural, functional, and spatial information, amino acid conservation, physicochemical variation, residue mobility, and thermodynamic stability) indicates that this missense variant is expected to disrupt RAG2 protein function with a positive predictive value of 95%. This variant disrupts the p.Trp453 amino acid residue in RAG2. Other variant(s) that disrupt this residue have been determined to be pathogenic (PMID: 10891502, 12200379, 18033247, 20234091). This suggests that this residue is clinically significant, and that variants that disrupt this residue are likely to be disease-causing. In summary, the currently available evidence indicates that the variant is pathogenic, but additional data are needed to prove that conclusively. Therefore, this variant has been classified as Likely Pathogenic.

Literature cited by the submitters: PubMed 10891502; PubMed 12200379; PubMed 18033247; PubMed 20234091.